The following is an entry in ClinVar:

ClinVar aggregate classification (germline): Conflicting classifications of pathogenicity. Review status: criteria provided, conflicting classifications (1 of 4 stars). 10 submissions from 9 submitters: Uncertain significance (8); Likely benign (1). 1 of the submissions does not count toward it. Last evaluated 2025-07-27.

Conditions:
Cardiovascular phenotype. Identifiers: MedGen CN230736.
Hereditary cancer-predisposing syndrome. Also called: Tumor predisposition; Hereditary neoplastic syndrome; Neoplastic Syndromes, Hereditary; Hereditary Cancer Syndrome. Identifiers: Orphanet 140162, MedGen C0027672, MeSH D009386, MONDO:0015356.
Juvenile myelomonocytic leukemia (JMML). Also called: LEUKEMIA, JUVENILE MYELOMONOCYTIC, SOMATIC. Identifiers: Orphanet 86834, MedGen C0349639, MONDO:0011908, OMIM 607785, HP:0012209.
Neurofibromatosis, type 1 (NF1). Also called: Peripheral type neurofibromatosis; Neurofibromatosis, type I; NEUROFIBROMATOSIS, TYPE I, SOMATIC; VON RECKLINGHAUSEN DISEASE. Identifiers: Orphanet 636, MedGen C0027831, MONDO:0018975, OMIM 162200. Disease mechanism: loss of function.

Allele frequency attached by ClinVar (database versions not stated): gnomAD exomes below 0.00001; TOPMed below 0.00001.
gnomAD v4.1: 2 of 1,613,876 alleles (0.00012%); highest among the groups gnomAD compares: Non-Finnish European, 0.00017%; no homozygotes.

Submissions (10):

Labcorp Genetics (formerly Invitae), Labcorp
Classification: Likely benign for Neurofibromatosis, type 1. Last evaluated: 2025-07-27. Review status: criteria provided, single submitter. Criteria: Invitae Variant Classification Sherloc (09022015). Collection method: clinical testing. Allele origin: germline.

Baylor Genetics
Classification: Uncertain significance for Juvenile myelomonocytic leukemia. Last evaluated: 2024-02-23. Review status: criteria provided, single submitter. Criteria: ACMG Guidelines, 2015. Collection method: clinical testing. Allele origin: unknown.

GeneDx
Classification: Uncertain significance. Last evaluated: 2024-01-02. Review status: criteria provided, single submitter. Criteria: GeneDx Variant Classification Process June 2021. Collection method: clinical testing. Allele origin: germline. Affected: yes.
Comment: In silico analysis supports that this missense variant has a deleterious effect on protein structure/function; Has not been previously published as pathogenic or benign to our knowledge; This variant is associated with the following publications: (PMID: 22703879)

Quest Diagnostics Nichols Institute San Juan Capistrano
Classification: Uncertain significance. Last evaluated: 2023-12-27. Review status: criteria provided, single submitter. Criteria: Quest Diagnostics criteria. Collection method: clinical testing. Allele origin: unknown.

Genome-Nilou Lab
Classification: Uncertain significance for Neurofibromatosis, type 1. Last evaluated: 2022-03-15. Review status: criteria provided, single submitter. Criteria: ACMG Guidelines, 2015. Collection method: clinical testing. Allele origin: germline. Affected: no.

Ambry Genetics
Classification: Uncertain significance for Cardiovascular phenotype; Hereditary cancer-predisposing syndrome. Last evaluated: 2021-04-01. Review status: criteria provided, single submitter. Criteria: Ambry Variant Classification Scheme 2023. Collection method: clinical testing. Allele origin: germline.

Blueprint Genetics
Classification: Uncertain significance. Last evaluated: 2021-01-22. Review status: criteria provided, single submitter. Criteria: ACMG Guidelines, 2015. Collection method: clinical testing. Allele origin: germline.

Center for Pediatric Genomic Medicine, Children's Mercy Hospital and Clinics
Classification: Uncertain significance. Last evaluated: 2016-10-12. Review status: criteria provided, single submitter. Criteria: ACMG Guidelines, 2015. Collection method: clinical testing. Allele origin: germline.
ClinVar note: Converted during submission from Uncertain Significance to Uncertain significance.

Ambry Genetics
Classification: Uncertain significance for Hereditary cancer-predisposing syndrome. Last evaluated: 2015-03-10. Review status: criteria provided, single submitter. Criteria: Ambry Autosomal Dominant and X-Linked criteria (10/2015). Collection method: clinical testing. Allele origin: germline. Observed: 1 variant allele.
Comment: The p.H2261R variant (also known as c.6782A>G), located in coding exon 45 of the NF1 gene, results from an A to G substitution at nucleotide position 6782. The histidine at codon 2261 is replaced by arginine, an amino acid with highly similar properties. This variant was previously reported in the SNPDatabase as rs201336602, but was absent from population-based cohorts in the NHLBI Exome Sequencing Project (ESP) and 1000 Genomes Project databases. This amino acid position is highly conserved in available vertebrate species. In addition, the in silico prediction for this alteration is inconclusive. Since supporting evidence is limited at this time, the clinical significance of p.H2261R remains unclear.

Biesecker Lab/Clinical Genomics Section, National Institutes of Health
Classification: Uncertain significance. Last evaluated: 2012-07-13. Review status: no assertion criteria provided. Collection method: research. Allele origin: germline. Affected: no. Observed: 1 variant allele. Study: ClinSeq. Not counted in ClinVar's aggregate classification.
ClinVar note: Converted during submission from variant of unknown significance to Uncertain significance.

NM_001042492.3(NF1):c.6782A>G (p.His2261Arg)

Gene: NF1 (neurofibromin 1; plus strand). Cytogenetic location: 17q11.2.
Variant type: single nucleotide variant.
Coding change: c.6782A>G on transcript NM_001042492.3 (MANE Select); coding-DNA position 6782, A replaced by G.
Protein change: p.His2261Arg; replaces histidine 2261 with arginine.
Molecular consequence: missense variant.
Genome position (GRCh38, 1-based): chr17:31,338,102, A>G. VCF-style: chr17-31338102-A-G. GRCh37 (hg19) VCF-style: chr17-29665120-A-G.
Other names: c.6719A>G, p.His2240Arg (NM_000267.4); short protein forms H2240R, H2261R.
Identifiers: ClinVar variation 41674 (VCV000041674.17), dbSNP rs201336602, ClinGen allele CA215745.